The following is an entry in ClinVar:

NM_000392.5(ABCC2):c.655C>G (p.Arg219Gly)

Gene: ABCC2 (ATP binding cassette subfamily C member 2; plus strand). Cytogenetic location: 10q24.2.
Variant type: single nucleotide variant.
Coding change: c.655C>G on transcript NM_000392.5 (MANE Select); coding-DNA position 655, C replaced by G.
Protein change: p.Arg219Gly; replaces arginine 219 with glycine.
Molecular consequence: missense variant.
Genome position (GRCh38, 1-based): chr10:99,797,119, C>G. VCF-style: chr10-99797119-C-G. GRCh37 (hg19) VCF-style: chr10-101556876-C-G.
Other names: c.655C>G (NM_000392.4, NM_000392.3); short protein forms R219G.
Identifiers: ClinVar variation 1929970 (VCV001929970.5), dbSNP rs572309746, ClinGen allele CA5642968.

ClinVar aggregate classification (germline): Uncertain significance. Review status: criteria provided, multiple submitters, no conflicts (2 of 4 stars). 4 submissions from 4 submitters: Uncertain significance (4). Last evaluated 2024-01-30.

Conditions:
ABCC2-related disorder. Also called: ABCC2-related condition.
Inborn genetic diseases. Identifiers: MedGen C0950123, MeSH D030342.

Allele frequency attached by ClinVar (database versions not stated): 1000 Genomes Project 0.00020.
gnomAD v4.1: 16 of 1,614,102 alleles (0.00099%); highest among the groups gnomAD compares: East Asian, 0.011%; no homozygotes.

Submissions (4):

Ambry Genetics
Classification: Uncertain significance for Inborn genetic diseases. Last evaluated: 2024-01-30. Review status: criteria provided, single submitter. Criteria: Ambry Variant Classification Scheme 2023. Collection method: clinical testing. Allele origin: germline.

Blueprint Genetics
Classification: Uncertain significance. Last evaluated: 2023-05-22. Review status: criteria provided, single submitter. Criteria: ACMG Guidelines, 2015. Collection method: clinical testing. Allele origin: germline.

PreventionGenetics, part of Exact Sciences
Classification: Uncertain significance for ABCC2-related condition. Last evaluated: 2022-12-13. Review status: criteria provided, single submitter. Criteria: ACMG Guidelines, 2015. Collection method: clinical testing. Allele origin: germline.
Comment: The ABCC2 c.655C>G variant is predicted to result in the amino acid substitution p.Arg219Gly. To our knowledge, this variant has not been reported in the literature. This variant is reported in 0.016% of alleles in individuals of East Asian descent in gnomAD. At this time, the clinical significance of this variant is uncertain due to the absence of conclusive functional and genetic evidence.

Labcorp Genetics (formerly Invitae), Labcorp
Classification: Uncertain significance. Last evaluated: 2022-07-13. Review status: criteria provided, single submitter. Criteria: Invitae Variant Classification Sherloc (09022015). Collection method: clinical testing. Allele origin: germline.
Comment: This sequence change replaces arginine, which is basic and polar, with glycine, which is neutral and non-polar, at codon 219 of the ABCC2 protein (p.Arg219Gly). This variant is present in population databases (rs572309746, gnomAD 0.006%). This variant has not been reported in the literature in individuals affected with ABCC2-related conditions. Advanced modeling of protein sequence and biophysical properties (such as structural, functional, and spatial information, amino acid conservation, physicochemical variation, residue mobility, and thermodynamic stability) performed at Invitae indicates that this missense variant is not expected to disrupt ABCC2 protein function. In summary, the available evidence is currently insufficient to determine the role of this variant in disease. Therefore, it has been classified as a Variant of Uncertain Significance.